The following is an entry in ClinVar:

ClinVar aggregate classification (germline): Uncertain significance (1 of 4 stars; one submission).

Conditions:
DiGeorge syndrome. Also called: Catch22; THIRD AND FOURTH PHARYNGEAL POUCH SYNDROME. Identifiers: Orphanet 567, MedGen C0012236, MONDO:0008564, OMIM 188400.

Submission:

Labcorp Genetics (formerly Invitae), Labcorp
Classification: Uncertain significance for DiGeorge syndrome. Last evaluated: 2025-07-23. Review status: criteria provided, single submitter. Criteria: Invitae Variant Classification Sherloc (09022015). Collection method: clinical testing. Allele origin: germline.
Comment: This sequence change replaces glycine, which is neutral and non-polar, with aspartic acid, which is acidic and polar, at codon 109 of the TBX1 protein (p.Gly109Asp). This variant is not present in population databases (gnomAD no frequency). This variant has not been reported in the literature in individuals affected with TBX1-related conditions. ClinVar contains an entry for this variant (Variation ID: 2727600). Invitae Evidence Modeling of protein sequence and biophysical properties (such as structural, functional, and spatial information, amino acid conservation, physicochemical variation, residue mobility, and thermodynamic stability) indicates that this missense variant is not expected to disrupt TBX1 protein function with a negative predictive value of 80%. In summary, the available evidence is currently insufficient to determine the role of this variant in disease. Therefore, it has been classified as a Variant of Uncertain Significance.

NM_001379200.1(TBX1):c.353G>A (p.Gly118Asp)

Gene: TBX1 (T-box transcription factor 1; plus strand). Cytogenetic location: 22q11.21.
Variant type: single nucleotide variant.
Coding change: c.353G>A on transcript NM_001379200.1 (MANE Select); coding-DNA position 353, G replaced by A.
Protein change: p.Gly118Asp; replaces glycine 118 with aspartic acid.
Molecular consequence: missense variant.
Genome position (GRCh38, 1-based): chr22:19,761,196, G>A. VCF-style: chr22-19761196-G-A. GRCh37 (hg19) VCF-style: chr22-19748719-G-A.
Other names: c.326G>A, p.Gly109Asp (NM_005992.1, NM_080646.2, NM_080647.1); short protein forms G109D, G118D.
Identifiers: ClinVar variation 2727600 (VCV002727600.3), dbSNP rs2517842827, ClinGen allele CA410681679.